The following is an entry in ClinVar:

ClinVar aggregate classification (germline): Pathogenic (1 of 4 stars; one submission).

Conditions:
Hypophosphatasia. Also called: Phosphoethanol-aminuria. Identifiers: Orphanet 436, MedGen C0020630, MeSH D007014, MONDO:0018570.

gnomAD v4.1: 1 of 1,614,162 alleles (0.000062%); highest among the groups gnomAD compares: Non-Finnish European, 0.000085%; no homozygotes.

Submission:

Genomenon, Inc
Classification: Pathogenic for Hypophosphatasia. Last evaluated: 2025-08-29. Review status: criteria provided, single submitter. Criteria: Genomenon Sequence Variant Interpretation Standards. Collection method: curation. Allele origin: germline. Affected: yes.
Comment: ALPL c.83A>G is a missense variant that changes the amino acid at residue 28 from Tyrosine to Cysteine. This variant has been observed in at least one proband affected with hypophosphatasia (PMID:11438998;33827627). At least one functional study has demonstrated a substantial alteration in protein function relative to the wild-type (PMID:11438998). This variant is also reported as p.Tyr11Cys in the literature. It is absent or not present at a significant frequency in gnomAD. In silico models agree that this variant is possibly or probably damaging. In conclusion, we classify ALPL p.Tyr28Cys (c.83A>G) as a pathogenic variant.

Literature cited by the submitters: PubMed 11438998; PubMed 33827627.

NM_000478.6(ALPL):c.83A>G (p.Tyr28Cys)

Gene: ALPL (alkaline phosphatase, biomineralization associated; plus strand). Cytogenetic location: 1p36.12.
Variant type: single nucleotide variant.
Coding change: c.83A>G on transcript NM_000478.6 (MANE Select); coding-DNA position 83, A replaced by G.
Protein change: p.Tyr28Cys; replaces tyrosine 28 with cysteine.
Molecular consequence: missense variant. On other transcripts: 5 prime UTR variant (2).
Genome position (GRCh38, 1-based): chr1:21,560,647, A>G. VCF-style: chr1-21560647-A-G. GRCh37 (hg19) VCF-style: chr1-21887140-A-G.
Other names: c.-83A>G (NM_001127501.4); c.-33A>G (NM_001177520.3); c.83A>G, p.Tyr28Cys (NM_001369803.2, NM_001369804.2, NM_001369805.2); short protein forms Y28C.
Identifiers: ClinVar variation 4086815 (VCV004086815.1).